The following is an entry in ClinVar:

ClinVar aggregate classification (germline): Uncertain significance (1 of 4 stars; one submission).

Conditions:
DYRK1B-related disorder. Also called: DYRK1B-related condition.

Submission:

PreventionGenetics, part of Exact Sciences
Classification: Uncertain significance for DYRK1B-related condition. Last evaluated: 2025-01-23. Review status: criteria provided, single submitter. Criteria: ACMG Guidelines, 2015. Collection method: clinical testing. Allele origin: germline.
Comment: The DYRK1B c.1390G>A variant is predicted to result in the amino acid substitution p.Ala464Thr. To our knowledge, this variant has not been reported in the literature. This variant is reported in 0.0010% of alleles in individuals of European (Non-Finnish) descent in gnomAD. At this time, the clinical significance of this variant is uncertain due to the absence of conclusive functional and genetic evidence.

NM_004714.3(DYRK1B):c.1390G>A (p.Ala464Thr)

Gene: DYRK1B (dual specificity tyrosine phosphorylation regulated kinase 1B; minus strand). Cytogenetic location: 19q13.2.
Variant type: single nucleotide variant.
Coding change: c.1390G>A on transcript NM_004714.3 (MANE Select); coding-DNA position 1390, G replaced by A.
Protein change: p.Ala464Thr; replaces alanine 464 with threonine.
Molecular consequence: missense variant.
Genome position (GRCh38, 1-based): chr19:39,826,693, C>T on the plus strand (G>A on the coding strand, the complement: DYRK1B is on the minus strand). VCF-style: chr19-39826693-C-T. GRCh37 (hg19) VCF-style: chr19-40317333-C-T.
Other names: c.1270G>A, p.Ala424Thr (NM_006483.3); c.1306G>A, p.Ala436Thr (NM_006484.3); short protein forms A424T, A436T, A464T.
Identifiers: ClinVar variation 4990447 (VCV004990447.1).